The following is an entry in ClinVar:

NC_000014.8:g.(?_88401064)_(88406335_?)del

Gene: GALC (galactosylceramidase; minus strand). Cytogenetic location: 14q31.3.
Variant type: Deletion.
Identifiers: ClinVar variation 2422478 (VCV002422478.8).

ClinVar aggregate classification (germline): Pathogenic (1 of 4 stars; one submission).

Conditions:
Galactosylceramide beta-galactosidase deficiency. Also called: Leukodystrophy, Globoid Cell; Krabbe Disease; GALACTOCEREBROSIDASE DEFICIENCY; GALC DEFICIENCY; GLOBOID CELL LEUKOENCEPHALOPATHY. Identifiers: Orphanet 487, MedGen C0023521, MONDO:0009499, OMIM 245200.

Submission:

Labcorp Genetics (formerly Invitae), Labcorp
Classification: Pathogenic for Galactosylceramide beta-galactosidase deficiency. Last evaluated: 2022-06-01. Review status: criteria provided, single submitter. Criteria: Invitae Variant Classification Sherloc (09022015). Collection method: clinical testing. Allele origin: germline.
Comment: This variant has not been reported in the literature in individuals affected with GALC-related conditions. This variant is a gross deletion of the genomic region encompassing exon(s) 16-17 of the GALC gene, which includes the termination codon. This deletion extends beyond the assayed region for this gene and therefore may encompass additional genes. While this deletion is not anticipated to lead to nonsense mediated decay, it is expected to alter mRNA translation or result in a truncated protein product. This variant disrupts a region of the GALC protein in which other variant(s) (p.Val681Met) have been determined to be pathogenic (PMID: 23462331, 31885218). This suggests that this is a clinically significant region of the protein, and that variants that disrupt it are likely to be disease-causing. For these reasons, this variant has been classified as Pathogenic.

Literature cited by the submitters: PubMed 23462331; PubMed 31885218.